The following is an entry in ClinVar:

ClinVar aggregate classification (germline): Benign. Review status: criteria provided, multiple submitters, no conflicts (2 of 4 stars). 2 submissions from 2 submitters: Benign (2). Last evaluated 2026-09-01.

Allele frequency attached by ClinVar (database versions not stated): ESP Exome Variant Server 0.00015; TOPMed 0.00015; gnomAD exomes 0.00145; 1000 Genomes Project 0.00220; 1000 Genomes Project 30x 0.00234; ExAC 0.00238.
gnomAD v4.1: 1,153 of 1,608,610 alleles (0.072%); highest among the groups gnomAD compares: South Asian, 1%; 21 homozygotes.

Submissions (2):

CeGaT Center for Human Genetics Tuebingen
Classification: Benign. Last evaluated: 2026-09-01. Review status: criteria provided, single submitter. Criteria: CeGaT Center For Human Genetics Tuebingen Variant Classification Criteria Version 2. Collection method: clinical testing. Allele origin: germline. Affected: yes. Observed: 3 variant alleles.
Comment: APC2: BS1, BS2

Labcorp Genetics (formerly Invitae), Labcorp
Classification: Benign. Last evaluated: 2025-03-12. Review status: criteria provided, single submitter. Criteria: Invitae Variant Classification Sherloc (09022015). Collection method: clinical testing. Allele origin: germline.

NM_005883.3(APC2):c.781C>G (p.Pro261Ala)

Gene: APC2 (APC regulator of Wnt signaling pathway 2; plus strand). Cytogenetic location: 19p13.3.
Variant type: single nucleotide variant.
Coding change: c.781C>G on transcript NM_005883.3 (MANE Select); coding-DNA position 781, C replaced by G.
Protein change: p.Pro261Ala; replaces proline 261 with alanine.
Molecular consequence: missense variant.
Genome position (GRCh38, 1-based): chr19:1,456,369, C>G. VCF-style: chr19-1456369-C-G. GRCh37 (hg19) VCF-style: chr19-1456368-C-G.
Other names: c.778C>G, p.Pro260Ala (NM_001351273.1); short protein forms P261A, P260A.
Identifiers: ClinVar variation 747055 (VCV000747055.14), dbSNP rs142402932, ClinGen allele CA9044883.